The following is an entry in ClinVar:

ClinVar aggregate classification (germline): Benign/Likely benign. Review status: criteria provided, multiple submitters, no conflicts (2 of 4 stars). 3 submissions from 3 submitters: Benign (1); Likely benign (2). Last evaluated 2024-11-06.

Conditions:
Ulnar-mammary syndrome (UMS). Also called: SCHINZEL SYNDROME; PALLISTER ULNAR-MAMMARY SYNDROME; Ulnar-mammary syndrome of Pallister. Identifiers: Orphanet 3138, MedGen C1866994, MONDO:0008411, OMIM 181450.

Allele frequency attached by ClinVar (database versions not stated): ExAC 0.00194; 1000 Genomes Project 0.00280; 1000 Genomes Project 30x 0.00297; gnomAD 0.00319 and 0.00354; TOPMed 0.00327; ESP Exome Variant Server 0.00375.
gnomAD v4.1: 956 of 1,551,962 alleles (0.062%); highest among the groups gnomAD compares: African/African-American, 1.2%; 4 homozygotes.

Submissions (3):

Blueprint Genetics
Classification: Likely benign. Last evaluated: 2024-11-06. Review status: criteria provided, single submitter. Criteria: ACMG Guidelines, 2015. Collection method: clinical testing. Allele origin: germline.

GeneDx
Classification: Likely benign. Last evaluated: 2021-06-07. Review status: criteria provided, single submitter. Criteria: GeneDx Variant Classification Process June 2021. Collection method: clinical testing. Allele origin: germline. Affected: yes.
Comment: See Variant Classification Assertion Criteria.

Illumina Laboratory Services, Illumina
Classification: Benign for Ulnar-mammary syndrome. Last evaluated: 2018-01-13. Review status: criteria provided, single submitter. Criteria: ICSL Variant Classification Criteria 13 December 2019. Collection method: clinical testing. Allele origin: germline.
Comment: This variant was observed in the ICSL laboratory as part of a predisposition screen in an ostensibly healthy population. It had not been previously curated by ICSL or reported in the Human Gene Mutation Database (HGMD: prior to June 1st, 2018), and was therefore a candidate for classification through an automated scoring system. Utilizing variant allele frequency, disease prevalence and penetrance estimates, and inheritance mode, an automated score was calculated to assess if this variant is too frequent to cause the disease. Based on the score and internal cut-off values, a variant classified as benign is not then subjected to further curation. The score for this variant resulted in a classification of benign for this disease.

NM_005996.4(TBX3):c.*12A>T

Gene: TBX3 (T-box transcription factor 3; minus strand). Cytogenetic location: 12q24.21.
Variant type: single nucleotide variant.
Coding change: c.*12A>T on transcript NM_005996.4 (MANE Select); 12 bases downstream of the stop codon, A replaced by T.
Molecular consequence: 3 prime UTR variant.
Genome position (GRCh38, 1-based): chr12:114,671,829, T>A on the plus strand (A>T on the coding strand, the complement: TBX3 is on the minus strand). VCF-style: chr12-114671829-T-A. GRCh37 (hg19) VCF-style: chr12-115109634-T-A.
Other names: c.*12A>T (NM_016569.4).
Identifiers: ClinVar variation 307352 (VCV000307352.7), dbSNP rs150286184, ClinGen allele CA6809763.